The following is an entry in ClinVar:

ClinVar aggregate classification (germline): Benign. Review status: criteria provided, multiple submitters, no conflicts (2 of 4 stars). 4 submissions from 4 submitters: Benign (2). 2 of the submissions do not count toward it. Last evaluated 2026-02-02.

Submissions (4):

Labcorp Genetics (formerly Invitae), Labcorp
Classification: Benign. Last evaluated: 2026-02-02. Review status: criteria provided, single submitter. Criteria: Invitae Variant Classification Sherloc (09022015). Collection method: clinical testing. Allele origin: germline.

Laboratory for Molecular Medicine, Mass General Brigham Personalized Medicine
Classification: Benign. Last evaluated: 2016-03-29. Review status: criteria provided, single submitter. Criteria: LMM Criteria. Collection method: clinical testing. Allele origin: germline.
Comment: Variant identified in a genome or exome case(s) and assessed due to predicted null impact of the variant or pathogenic assertions in the literature or databases. Disclaimer: This variant has not undergone full assessment. The following are preliminary notes: Frequency in 1000Genomes: 2105/2178=96.64%

Diagnostic Laboratory, Department of Genetics, University Medical Center Groningen
Classification: Benign. Review status: no assertion criteria provided. Collection method: clinical testing. Allele origin: germline. Affected: yes. Study: VKGL Data-share Consensus. Not counted in ClinVar's aggregate classification.

Genome Diagnostics Laboratory, Amsterdam University Medical Center
Classification: Likely benign. Review status: no assertion criteria provided. Collection method: clinical testing. Allele origin: germline. Affected: yes. Study: VKGL Data-share Consensus. Not counted in ClinVar's aggregate classification.

NM_182895.5(SCARF2):c.2240dup (p.Gly749fs)

Gene: SCARF2 (scavenger receptor class F member 2; minus strand). Cytogenetic location: 22q11.21.
Variant type: Duplication.
Coding change: c.2240dup on transcript NM_182895.5 (MANE Select); coding-DNA position 2240, one base duplicated (G; older notation c.2240dupG).
Protein change: p.Gly749fs; shifts the reading frame from glycine 749.
Molecular consequence: frameshift variant.
Genome position (GRCh38, 1-based): chr22:20,425,736, C duplicated on the plus strand (G on the coding strand, the reverse complement: SCARF2 is on the minus strand); the first of 2 consecutive C bases (chr22:20,425,736-20,425,737); duplicating either gives the same sequence. VCF-style (leftmost placement, unchanged base first): chr22-20425735-G-GC. GRCh37 (hg19) VCF-style: chr22-20780024-G-GCC.
Other names: NM_153334.4:c.2253dupG; p.Pro752AlafsX26; c.2255dup, p.Gly754fs (NM_153334.7); short protein forms G749fs, G754fs.
Identifiers: ClinVar variation 403414 (VCV000403414.15), dbSNP rs5844420, ClinGen allele CA16609797.